The following is an entry in ClinVar:

ClinVar aggregate classification (germline): Uncertain significance (1 of 4 stars; one submission).

Conditions:
Myopathy, centronuclear, 2 (CNM2). Also called: MYOTUBULAR MYOPATHY, AUTOSOMAL RECESSIVE. Identifiers: Orphanet 169186, MedGen CN031787, MONDO:0009709, OMIM 255200.

gnomAD v4.1: 5 of 1,614,136 alleles (0.00031%); highest among the groups gnomAD compares: South Asian, 0.0022%; no homozygotes.

Submission:

Labcorp Genetics (formerly Invitae), Labcorp
Classification: Uncertain significance for Myopathy, centronuclear, 2. Last evaluated: 2025-10-05. Review status: criteria provided, single submitter. Criteria: Invitae Variant Classification Sherloc (09022015). Collection method: clinical testing. Allele origin: germline.
Comment: This sequence change replaces arginine, which is basic and polar, with glutamine, which is neutral and polar, at codon 143 of the BIN1 protein (p.Arg143Gln). This variant is present in population databases (rs780463774, gnomAD 0.003%). This variant has not been reported in the literature in individuals affected with BIN1-related conditions. Invitae Evidence Modeling of protein sequence and biophysical properties (such as structural, functional, and spatial information, amino acid conservation, physicochemical variation, residue mobility, and thermodynamic stability) indicates that this missense variant is expected to disrupt BIN1 protein function with a positive predictive value of 80%. In summary, the available evidence is currently insufficient to determine the role of this variant in disease. Therefore, it has been classified as a Variant of Uncertain Significance.

NM_139343.3(BIN1):c.428G>A (p.Arg143Gln)

Gene: BIN1 (bridging integrator 1; minus strand). Cytogenetic location: 2q14.3.
Variant type: single nucleotide variant.
Coding change: c.428G>A on transcript NM_139343.3 (MANE Select); coding-DNA position 428, G replaced by A.
Protein change: p.Arg143Gln; replaces arginine 143 with glutamine.
Molecular consequence: missense variant.
Genome position (GRCh38, 1-based): chr2:127,069,015, C>T on the plus strand (G>A on the coding strand, the complement: BIN1 is on the minus strand). VCF-style: chr2-127069015-C-T. GRCh37 (hg19) VCF-style: chr2-127826591-C-T.
Other names: c.428G>A, p.Arg143Gln (NM_001320632.2, NM_001320633.2, NM_001320640.2 and 10 more transcripts); c.356G>A, p.Arg119Gln (NM_001320634.1); c.347G>A, p.Arg116Gln (NM_001320642.1); short protein forms R119Q, R143Q, R116Q.
Identifiers: ClinVar variation 4768571 (VCV004768571.1).